The following is an entry in ClinVar:

ClinVar aggregate classification (germline): Uncertain significance. Review status: criteria provided, multiple submitters, no conflicts (2 of 4 stars). 4 submissions from 4 submitters: Uncertain significance (2). 2 of the submissions do not count toward it. Last evaluated 2026-07-20.

Conditions:
Melnick-Needles syndrome (MNS). Also called: Melnick-Needles Syndrome (FLNA-MNS); MELNICK-NEEDLES OSTEODYSPLASTY; OSTEODYSPLASTY OF MELNICK AND NEEDLES. Identifiers: Orphanet 2484, MedGen C0025237, MONDO:0010650, OMIM 309350.
Frontometaphyseal dysplasia (FMD1). Identifiers: Orphanet 1826, MedGen C0265293, MONDO:0015942.
Heterotopia, periventricular, X-linked dominant (PVNH1). Also called: PERIVENTRICULAR NODULAR HETEROTOPIA 1; X-linked periventricular heterotopia; PERIVENTRICULAR NODULAR HETEROTOPIA 4; HETEROTOPIA, PERIVENTRICULAR, 1. Identifiers: Orphanet 2149, Orphanet 82004, MedGen C1848213, MONDO:0010233, OMIM 300049.
Oto-palato-digital syndrome, type II (OPD2). Also called: Otopalatodigital Syndrome Type 2 (FLNA-OPD2); FACIOPALATOOSSEOUS SYNDROME; Otopalatodigital Syndrome, Type II; OPD II SYNDROME. Identifiers: Orphanet 669, Orphanet 90652, MedGen C1844696, MONDO:0010571, OMIM 304120.

Allele frequency attached by ClinVar (database versions not stated): gnomAD exomes below 0.00001; gnomAD 0.00001; TOPMed 0.00002.

Submissions (4):

GeneDx
Classification: Uncertain significance. Last evaluated: 2026-07-20. Review status: criteria provided, single submitter. Criteria: GeneDx Variant Classification Process June 2021. Collection method: clinical testing. Allele origin: germline.
Comment: Not observed at significant frequency in large population cohorts (gnomAD); In silico analysis supports that this missense variant has a deleterious effect on protein structure/function; Has not been previously published as pathogenic or benign to our knowledge

Labcorp Genetics (formerly Invitae), Labcorp
Classification: Uncertain significance for Oto-palato-digital syndrome, type II; Heterotopia, periventricular, X-linked dominant; Frontometaphyseal dysplasia; Melnick-Needles syndrome. Last evaluated: 2025-12-16. Review status: criteria provided, single submitter. Criteria: Invitae Variant Classification Sherloc (09022015). Collection method: clinical testing. Allele origin: germline.
Comment: This sequence change replaces glutamic acid, which is acidic and polar, with lysine, which is basic and polar, at codon 2181 of the FLNA protein (p.Glu2181Lys). This variant is not present in population databases (gnomAD no frequency). This variant has not been reported in the literature in individuals affected with FLNA-related conditions. ClinVar contains an entry for this variant (Variation ID: 579753). Invitae Evidence Modeling of protein sequence and biophysical properties (such as structural, functional, and spatial information, amino acid conservation, physicochemical variation, residue mobility, and thermodynamic stability) indicates that this missense variant is not expected to disrupt FLNA protein function with a negative predictive value of 95%. In summary, the available evidence is currently insufficient to determine the role of this variant in disease. Therefore, it has been classified as a Variant of Uncertain Significance.

Diagnostic Laboratory, Department of Genetics, University Medical Center Groningen
Classification: Uncertain significance. Review status: no assertion criteria provided. Collection method: clinical testing. Allele origin: germline. Affected: yes. Study: VKGL Data-share Consensus. Not counted in ClinVar's aggregate classification.

Genome Diagnostics Laboratory, Amsterdam University Medical Center
Classification: Uncertain significance. Review status: no assertion criteria provided. Collection method: clinical testing. Allele origin: germline. Affected: yes. Study: VKGL Data-share Consensus. Not counted in ClinVar's aggregate classification.

NM_001110556.2(FLNA):c.6565G>A (p.Glu2189Lys)

Gene: FLNA (filamin A; minus strand). Cytogenetic location: Xq28.
Variant type: single nucleotide variant.
Coding change: c.6565G>A on transcript NM_001110556.2 (MANE Select); coding-DNA position 6565, G replaced by A.
Protein change: p.Glu2189Lys; replaces glutamic acid 2189 with lysine.
Molecular consequence: missense variant.
Genome position (GRCh38, 1-based): chrX:154,352,385, C>T on the plus strand (G>A on the coding strand, the complement: FLNA is on the minus strand). VCF-style: chrX-154352385-C-T. GRCh37 (hg19) VCF-style: chrX-153580753-C-T.
Other names: c.6541G>A, p.Glu2181Lys (NM_001456.4); short protein forms E2181K, E2189K.
Identifiers: ClinVar variation 579753 (VCV000579753.16), dbSNP rs1405780478, ClinGen allele CA415191092.